The following is an entry in ClinVar:

NM_004403.3(GSDME):c.862+10dup

Gene: GSDME (gasdermin E; minus strand). Cytogenetic location: 7p15.3.
Variant type: Duplication.
Coding change: c.862+10dup on transcript NM_004403.3; 10 bases into the intron after coding-DNA position 862, one base duplicated (G; older notation c.862+10dupG).
Genome position (GRCh38, 1-based): chr7:24,710,214, C duplicated on the plus strand (G on the coding strand, the reverse complement: GSDME is on the minus strand). VCF-style (leftmost placement, unchanged base first): chr7-24710213-G-GC. GRCh37 (hg19) VCF-style: chr7-24749832-G-GC.
Other names: c.370+10dup (NM_001127454.2); c.862+10dup (NM_001127453.2).
Identifiers: ClinVar variation 179142 (VCV000179142.4), dbSNP rs730880353, ClinGen allele CA183801.

ClinVar aggregate classification (germline): Likely benign (1 of 4 stars; one submission).

Allele frequency attached by ClinVar (database versions not stated): gnomAD exomes below 0.00001 and 0.00001; gnomAD 0.00001.

Submission:

Laboratory for Molecular Medicine, Mass General Brigham Personalized Medicine
Classification: Likely benign. Last evaluated: 2013-08-01. Review status: criteria provided, single submitter. Criteria: LMM Criteria. Collection method: clinical testing. Allele origin: germline. Observed: 1 variant allele.
Comment: 862+10_862+11insG in Intron 6 of DFNA5: This variant is not expected to have cli nical significance because it is not located within the splice consensus sequenc e.